The following is an entry in ClinVar:

ClinVar aggregate classification (germline): Benign (0 of 4 stars; one submission).

Conditions:
ATAD5-related disorder. Also called: ATAD5-related condition.

Allele frequency attached by ClinVar (database versions not stated): 1000 Genomes Project 30x 0.01671; 1000 Genomes Project 0.01777; gnomAD 0.01886; ESP Exome Variant Server 0.02261; ExAC 0.02388; gnomAD exomes 0.02651.
gnomAD v4.1: 41,778 of 1,613,892 alleles (2.6%); highest among the groups gnomAD compares: South Asian, 6.2%; 761 homozygotes.

Submission:

PreventionGenetics, part of Exact Sciences
Classification: Benign for ATAD5-related condition. Last evaluated: 2019-02-19. Review status: no assertion criteria provided. Collection method: clinical testing. Allele origin: germline.
Comment: This variant is classified as benign based on ACMG/AMP sequence variant interpretation guidelines (Richards et al. 2015 PMID: 25741868, with internal and published modifications).

NM_024857.5(ATAD5):c.891C>T (p.Asp297=)

Gene: ATAD5 (ATPase family AAA domain containing 5; plus strand). Cytogenetic location: 17q11.2.
Variant type: single nucleotide variant.
Coding change: c.891C>T on transcript NM_024857.5 (MANE Select); coding-DNA position 891, C replaced by T.
Protein change: p.Asp297=; no amino-acid change (aspartic acid 297 retained).
Molecular consequence: synonymous variant.
Genome position (GRCh38, 1-based): chr17:30,834,972, C>T. VCF-style: chr17-30834972-C-T. GRCh37 (hg19) VCF-style: chr17-29161990-C-T.
Identifiers: ClinVar variation 3055573 (VCV003055573.2), dbSNP rs143006132, ClinGen allele CA8483552.